The following is an entry in ClinVar:

NM_000179.3(MSH6):c.628-14del

Gene: MSH6 (mutS homolog 6; plus strand). Cytogenetic location: 2p16.3.
Variant type: Deletion.
Coding change: c.628-14del on transcript NM_000179.3 (MANE Select); 14 bases into the intron before coding-DNA position 628, one base deleted (T; older notation c.628-14delT).
Molecular consequence: intron variant.
Genome position (GRCh38, 1-based): chr2:47,798,597, T deleted; the last of 3 consecutive T bases (chr2:47,798,595-47,798,597); deleting any one gives the same sequence. VCF-style (leftmost placement, unchanged base first): chr2-47798594-CT-C. GRCh37 (hg19) VCF-style: chr2-48025733-CT-C.
Other names: c.628-14del (NM_001406809.1, NM_001406796.1, NM_001406808.1 and 4 more transcripts); c.-279-14del (NM_001406811.1, NM_001406814.1, NM_001281493.2 and 5 more transcripts); c.331-14del (NM_001406805.1, NM_001406797.1, NM_001406801.1 and 10 more transcripts); c.724-14del (NM_001406795.1, NM_001406802.1); c.634-14del (NM_001406813.1); c.103-14del (NM_001406807.1, NM_001406799.1, NM_001406806.1); c.628-2069del (NM_001407362.1); c.550-14del (NM_001406804.1); and 3 more.
Identifiers: ClinVar variation 3904457 (VCV003904457.1).

ClinVar aggregate classification (germline): Likely benign (1 of 4 stars; one submission).

Conditions:
Lynch syndrome 5 (LYNCH5). Also called: Colorectal cancer, hereditary nonpolyposis, type 5; Hereditary non-polyposis colorectal cancer, type 5. Identifiers: Orphanet 144, MedGen C1833477, MONDO:0013710, OMIM 614350. Disease mechanism: loss of function.

Submission:

Myriad Genetics, Inc.
Classification: Likely benign for Lynch syndrome 5. Last evaluated: 2024-12-19. Review status: criteria provided, single submitter. Criteria: Myriad Autosomal Dominant, Autosomal Recessive and X-Linked Classification Criteria (2023). Collection method: clinical testing. Allele origin: unknown.
Comment: This variant is considered likely benign. This variant is intronic and is not expected to impact mRNA splicing.